The following is an entry in ClinVar:

ClinVar aggregate classification (germline): Uncertain significance (1 of 4 stars; one submission).

Submission:

Ambry Genetics
Classification: Uncertain significance. Last evaluated: 2021-07-18. Review status: criteria provided, single submitter. Criteria: Ambry Variant Classification Scheme 2023. Collection method: clinical testing. Allele origin: germline.
Comment: The p.D1085N variant (also known as c.3253G>A), located in coding exon 16 of the POLQ gene, results from a G to A substitution at nucleotide position 3253. The aspartic acid at codon 1085 is replaced by asparagine, an amino acid with highly similar properties. This amino acid position is conserved. In addition, this alteration is predicted to be tolerated by in silico analysis. Since supporting evidence is limited at this time, the clinical significance of this alteration remains unclear.

NM_199420.4(POLQ):c.3253G>A (p.Asp1085Asn)

Gene: POLQ (DNA polymerase theta; minus strand). Cytogenetic location: 3q13.33.
Variant type: single nucleotide variant.
Coding change: c.3253G>A on transcript NM_199420.4 (MANE Select); coding-DNA position 3253, G replaced by A.
Protein change: p.Asp1085Asn; replaces aspartic acid 1085 with asparagine.
Molecular consequence: missense variant.
Genome position (GRCh38, 1-based): chr3:121,489,678, C>T on the plus strand (G>A on the coding strand, the complement: POLQ is on the minus strand). VCF-style: chr3-121489678-C-T. GRCh37 (hg19) VCF-style: chr3-121208525-C-T.
Other names: short protein forms D1085N.
Identifiers: ClinVar variation 1729443 (VCV001729443.2), dbSNP rs2546787624, ClinGen allele CA354101019.